The following is an entry in ClinVar:

NM_000127.3(EXT1):c.1633-34_1670del

Gene: EXT1 (exostosin glycosyltransferase 1; minus strand). Cytogenetic location: 8q24.11.
Variant type: Deletion.
Coding change: c.1633-34_1670del on transcript NM_000127.3 (MANE Select); 34 bases into the intron before coding-DNA position 1633 through coding-DNA position 1670, 72 bases deleted.
Molecular consequence: splice acceptor variant.
Genome position (GRCh38, 1-based): chr8:117,812,924-117,812,995, 72 bases deleted. GRCh37 (hg19): chr8:118,825,167-118,825,238.
Other names: c.1633-34_1670delTCCCTCCCCACTGCCTACTTCTACTTCCTCCCAGGTTATGAGCAGCCGTTTTCTGCCCTACGACAACATCAT (NM_000127.2).
Identifiers: ClinVar variation 456063 (VCV000456063.1), dbSNP rs1554657940, ClinGen allele CA658657819.

ClinVar aggregate classification (germline): Pathogenic (1 of 4 stars; one submission).

Conditions:
Multiple congenital exostosis (EXT). Also called: MULTIPLE CARTILAGINOUS EXOSTOSES; Hereditary multiple osteochondromas; Multiple exostoses; Hereditary multiple exostoses; Hereditary multiple exostosis; Multiple osteochondromas. Identifiers: Orphanet 321, MedGen C0015306, MONDO:0005508, HP:0002762.

Submission:

Labcorp Genetics (formerly Invitae), Labcorp
Classification: Pathogenic for Multiple congenital exostosis. Last evaluated: 2017-08-10. Review status: criteria provided, single submitter. Criteria: Invitae Variant Classification Sherloc (09022015). Collection method: clinical testing. Allele origin: germline.
Comment: This variant is a gross deletion of the genomic region encompassing part of exon 8 of the EXT1 gene, including the intron 7-exon 8 boundary (c.1633-34_1670del). This likely creates a premature translational stop signal and is expected to result in an absent or disrupted protein product. This variant is not present in population databases (ExAC no frequency). Loss-of-function variants in EXT1 are known to be pathogenic (PMID: 10679937, 11391482, 19810120). For these reasons, this variant has been classified as Pathogenic.